The following is an entry in ClinVar:

ClinVar aggregate classification (germline): Pathogenic. Review status: reviewed by expert panel (3 of 4 stars). 2 submissions from 2 submitters: Pathogenic (1). 1 of the submissions does not count toward it. Last evaluated 2016-09-08.

Conditions:
Breast-ovarian cancer, familial, susceptibility to, 1 (BROVCA1). Also called: BRCA1 Hereditary Breast and Ovarian Cancer; OVARIAN CANCER, SUSCEPTIBILITY TO. Identifiers: Orphanet 145, MedGen C2676676, MONDO:0011450, OMIM 604370. Disease mechanism: loss of function.

Submissions (2):

Evidence-based Network for the Interpretation of Germline Mutant Alleles (ENIGMA)
Classification: Pathogenic for Breast-ovarian cancer, familial, susceptibility to, 1. Last evaluated: 2016-09-08. Review status: reviewed by expert panel. Criteria: ENIGMA BRCA1/2 Classification Criteria (2015). Collection method: curation. Allele origin: germline.
Comment: Variant allele predicted to encode a truncated non-functional protein.

Breast Cancer Information Core (BIC) (BRCA1)
Classification: Pathogenic for Breast-ovarian cancer, familial 1. Last evaluated: 2001-10-29. Review status: no assertion criteria provided. Collection method: clinical testing. Allele origin: germline. Affected: yes. Observed: 1 variant allele. Not counted in ClinVar's aggregate classification.

NM_007294.4(BRCA1):c.3766dup (p.Thr1256fs)

Genes: BRCA1 (BRCA1 DNA repair associated; minus strand), LOC126862571 (BRD4-independent group 4 enhancer GRCh37_chr17:41243136-41244335; plus strand). Cytogenetic location: 17q21.31.
Variant type: Duplication.
Coding change: c.3766dup on transcript NM_007294.4 (MANE Select); coding-DNA position 3766, one base duplicated (A; older notation c.3766dupA).
Protein change: p.Thr1256fs; shifts the reading frame from threonine 1256.
Molecular consequence: frameshift variant. On other transcripts: intron variant (135).
Genome position (GRCh38, 1-based): chr17:43,091,765, T duplicated on the plus strand (A on the coding strand, the reverse complement: BRCA1 is on the minus strand). VCF-style (leftmost placement, unchanged base first): chr17-43091764-G-GT. GRCh37 (hg19) VCF-style: chr17-41243781-G-GT.
Other names: 3885insA; c.3766dupA (NM_007294.3); c.3625dup, p.Thr1209fs (NM_001407752.1, NM_001407850.1, NM_001407851.1 and 29 more transcripts); c.3622dup, p.Thr1208fs (NM_001407838.1, NM_001407839.1, NM_001407841.1 and 20 more transcripts); c.3553dup, p.Thr1185fs (NM_001407853.1, NM_001407894.1, NM_001407895.1 and 9 more transcripts); c.3766dup, p.Thr1256fs (NM_001407854.1, NM_001407858.1, NM_001407859.1 and 30 more transcripts); c.3763dup, p.Thr1255fs (NM_001407860.1, NM_001407861.1, NM_001407587.1 and 22 more transcripts); c.3565dup, p.Thr1189fs (NM_001407862.1); and 43 more; short protein forms T1256fs, T1209fs, T1185fs, T1189fs, T1229fs, T1253fs, T388fs, T1088fs.
Identifiers: ClinVar variation 125649 (VCV000125649.3), dbSNP rs80357704, ClinGen allele CA002421.